The following is an entry in ClinVar:

NC_000013.11:g.(?_32354841)_(32357949_?)del

Gene: BRCA2 (BRCA2 DNA repair associated; plus strand). Cytogenetic location: 13q13.1.
Variant type: Deletion.
Identifiers: ClinVar variation 650722 (VCV000650722.9).

ClinVar aggregate classification (germline): Pathogenic (1 of 4 stars; one submission).

Conditions:
Hereditary breast ovarian cancer syndrome. Also called: Breast and ovarian cancer; BRCA1- and BRCA2-Associated Hereditary Breast and Ovarian Cancer; Hereditary breast and ovarian cancer; Hereditary breast and ovarian cancer syndrome (HBOC); Hereditary breast and/or ovarian cancer syndrome; Hereditary breast and ovarian cancer syndrome. Identifiers: Orphanet 145, MedGen C0677776, MeSH D061325, MONDO:0003582. Disease mechanism: loss of function.

Submission:

Labcorp Genetics (formerly Invitae), Labcorp
Classification: Pathogenic for Hereditary breast ovarian cancer syndrome. Last evaluated: 2023-12-23. Review status: criteria provided, single submitter. Criteria: Invitae Variant Classification Sherloc (09022015). Collection method: clinical testing. Allele origin: germline.
Comment: This variant is a gross deletion of the genomic region encompassing exon(s) 14-16 of the BRCA2 gene. This variant would be expected to be in-frame, preserving the integrity of the reading frame. A similar copy number variant has been observed in individual(s) with prostate cancer and breast cancer (PMID: 15863663, 20617377, 20736950). This variant disrupts the FANCD2 and DNA binding domains of the BRCA2 protein, which are necessary for homologous recombination repair activity (PMID: 24323938, 12915460, 15115758, 18212739, 20450923). While functional studies have not been performed to directly test the effect of this variant on BRCA2 protein function, this suggests that disruption of this region of the protein is causative of disease. This variant disrupts a region of the BRCA2 protein in which other variant(s) (p.Leu2510Pro) have been determined to be pathogenic (PMID: 14670928, 21719596, 23108138, 29394989). This suggests that this is a clinically significant region of the protein, and that variants that disrupt it are likely to be disease-causing. For these reasons, this variant has been classified as Pathogenic.

Literature cited by the submitters: PubMed 15863663; PubMed 20617377; PubMed 20736950; PubMed 24323938; PubMed 12915460; PubMed 15115758; PubMed 18212739; PubMed 20450923; PubMed 14670928; PubMed 21719596; PubMed 23108138; PubMed 29394989.